The following is an entry in ClinVar:

NM_000254.3(MTR):c.2044-11G>T

Gene: MTR (5-methyltetrahydrofolate-homocysteine methyltransferase; plus strand). Cytogenetic location: 1q43.
Variant type: single nucleotide variant.
Coding change: c.2044-11G>T on transcript NM_000254.3 (MANE Select); 11 bases into the intron before coding-DNA position 2044, G replaced by T.
Molecular consequence: intron variant.
Genome position (GRCh38, 1-based): chr1:236,861,114, G>T. VCF-style: chr1-236861114-G-T. GRCh37 (hg19) VCF-style: chr1-237024414-G-T.
Other names: c.2044-1122G>T (NM_001291939.1); c.823-11G>T (NM_001291940.2).
Identifiers: ClinVar variation 516909 (VCV000516909.2), dbSNP rs570088952, ClinGen allele CA1474279.

ClinVar aggregate classification (germline): Benign. Review status: criteria provided, multiple submitters, no conflicts (2 of 4 stars). 2 submissions from 2 submitters: Benign (2). Last evaluated 2017-02-22.

Allele frequency attached by ClinVar (database versions not stated): 1000 Genomes Project 0.30791; ExAC 0.44692; gnomAD exomes 0.46085.

Submissions (2):

GeneDx
Classification: Benign. Last evaluated: 2017-02-22. Review status: criteria provided, single submitter. Criteria: GeneDx Variant Classification (06012015). Collection method: clinical testing. Allele origin: germline. Affected: yes.
Comment: This variant is considered likely benign or benign based on one or more of the following criteria: it is a conservative change, it occurs at a poorly conserved position in the protein, it is predicted to be benign by multiple in silico algorithms, and/or has population frequency not consistent with disease.

Breakthrough Genomics
Classification: Benign. Review status: criteria provided, single submitter. Criteria: ACMG Guidelines, 2015. Collection method: not provided. Allele origin: germline. Inheritance: Autosomal recessive inheritance. Affected: yes.